The following is an entry in ClinVar:

NM_000179.3(MSH6):c.113C>A (p.Pro38His)

Gene: MSH6 (mutS homolog 6; plus strand). Cytogenetic location: 2p16.3.
Variant type: single nucleotide variant.
Coding change: c.113C>A on transcript NM_000179.3 (MANE Select); coding-DNA position 113, C replaced by A.
Protein change: p.Pro38His; replaces proline 38 with histidine.
Molecular consequence: missense variant. On other transcripts: 5 prime UTR variant (1).
Genome position (GRCh38, 1-based): chr2:47,783,346, C>A. VCF-style: chr2-47783346-C-A. GRCh37 (hg19) VCF-style: chr2-48010485-C-A.
Other names: c.113C>A, p.Pro38His (NM_001281492.2); c.-624C>A (NM_001281493.2); short protein forms P38H.
Identifiers: ClinVar variation 1058623 (VCV001058623.9), dbSNP rs1553408211, ClinGen allele CA346734856.

ClinVar aggregate classification (germline): Uncertain significance (1 of 4 stars; one submission).

Conditions:
Hereditary nonpolyposis colorectal neoplasms. Identifiers: MedGen C0009405, MeSH D003123.

Submission:

Labcorp Genetics (formerly Invitae), Labcorp
Classification: Uncertain significance for Hereditary nonpolyposis colorectal neoplasms. Last evaluated: 2020-10-06. Review status: criteria provided, single submitter. Criteria: Invitae Variant Classification Sherloc (09022015). Collection method: clinical testing. Allele origin: germline.
Comment: In summary, the available evidence is currently insufficient to determine the role of this variant in disease. Therefore, it has been classified as a Variant of Uncertain Significance. Advanced modeling of protein sequence and biophysical properties (such as structural, functional, and spatial information, amino acid conservation, physicochemical variation, residue mobility, and thermodynamic stability) performed at Invitae indicates that this missense variant is not expected to disrupt MSH6 protein function. This variant has not been reported in the literature in individuals with MSH6-related conditions. This variant is not present in population databases (ExAC no frequency). This sequence change replaces proline with histidine at codon 38 of the MSH6 protein (p.Pro38His). The proline residue is weakly conserved and there is a moderate physicochemical difference between proline and histidine.